The following is an entry in ClinVar:

ClinVar aggregate classification (germline): Uncertain significance (1 of 4 stars; one submission).

Conditions:
Epidermolysis bullosa simplex with nail dystrophy (EBS5D). Identifiers: MedGen C4225309, MONDO:0014661, OMIM 616487.
Epidermolysis bullosa simplex 5B, with muscular dystrophy (EBS5B). Also called: EPIDERMOLYSIS BULLOSA SIMPLEX AND LIMB-GIRDLE MUSCULAR DYSTROPHY; Epidermolysis bullosa simplex with muscular dystrophy. Identifiers: Orphanet 257, MedGen C2931072, MONDO:0009181, OMIM 226670.
Epidermolysis bullosa simplex, Ogna type (EBS5A). Also called: Pidermolysis bullosa simplex 5A, Ogna type; EPIDERMOLYSIS BULLOSA SIMPLEX 5A, OGNA TYPE. Identifiers: Orphanet 79401, MedGen C0432317, MONDO:0007555, OMIM 131950.
Epidermolysis bullosa simplex 5C, with pyloric atresia (EBS5C). Also called: Epidermolysis bullosa simplex with pyloric atresia; PLEC-Related Epidermolysis Bullosa with Pyloric Atresia; PLEC1-Related Epidermolysis Bullosa with Pyloric Atresia. Identifiers: Orphanet 158684, MedGen C2677349, MONDO:0012807, OMIM 612138.
Autosomal recessive limb-girdle muscular dystrophy type 2Q (LGMDR17). Also called: MUSCULAR DYSTROPHY, LIMB-GIRDLE, AUTOSOMAL RECESSIVE 17. Identifiers: Orphanet 254361, MedGen C3150989, MONDO:0013390, OMIM 613723.

gnomAD v4.1: 5 of 1,600,200 alleles (0.00031%); highest among the groups gnomAD compares: African/African-American, 0.0054%; no homozygotes.

Submission:

Labcorp Genetics (formerly Invitae), Labcorp
Classification: Uncertain significance for Autosomal recessive limb-girdle muscular dystrophy type 2Q; Epidermolysis bullosa simplex, Ogna type; Epidermolysis bullosa simplex with nail dystrophy; Epidermolysis bullosa simplex 5C, with pyloric atresia; Epidermolysis bullosa simplex 5B, with muscular dystrophy. Last evaluated: 2025-04-21. Review status: criteria provided, single submitter. Criteria: Invitae Variant Classification Sherloc (09022015). Collection method: clinical testing. Allele origin: germline.
Comment: This sequence change replaces arginine, which is basic and polar, with glycine, which is neutral and non-polar, at codon 773 of the PLEC protein (p.Arg773Gly). The frequency data for this variant in the population databases is considered unreliable, as metrics indicate poor data quality at this position in the gnomAD database. This variant has not been reported in the literature in individuals affected with PLEC-related conditions. ClinVar contains an entry for this variant (Variation ID: 2195682). Invitae Evidence Modeling of protein sequence and biophysical properties (such as structural, functional, and spatial information, amino acid conservation, physicochemical variation, residue mobility, and thermodynamic stability) indicates that this missense variant is expected to disrupt PLEC protein function with a positive predictive value of 80%. In summary, the available evidence is currently insufficient to determine the role of this variant in disease. Therefore, it has been classified as a Variant of Uncertain Significance.

NM_201384.3(PLEC):c.2236C>G (p.Arg746Gly)

Gene: PLEC (plectin; minus strand). Cytogenetic location: 8q24.3.
Variant type: single nucleotide variant.
Coding change: c.2236C>G on transcript NM_201384.3 (MANE Select); coding-DNA position 2236, C replaced by G.
Protein change: p.Arg746Gly; replaces arginine 746 with glycine.
Molecular consequence: missense variant.
Genome position (GRCh38, 1-based): chr8:143,931,602, G>C on the plus strand (C>G on the coding strand, the complement: PLEC is on the minus strand). VCF-style: chr8-143931602-G-C. GRCh37 (hg19) VCF-style: chr8-145005770-G-C.
Other names: c.2317C>G, p.Arg773Gly (NM_000445.5, NM_001410941.1); c.2194C>G, p.Arg732Gly (NM_201378.4); c.2170C>G, p.Arg724Gly (NM_201379.3); c.2647C>G, p.Arg883Gly (NM_201380.4); c.2140C>G, p.Arg714Gly (NM_201381.3); c.2236C>G, p.Arg746Gly (NM_201382.4); c.2248C>G, p.Arg750Gly (NM_201383.3); short protein forms R714G, R724G, R732G, R750G, R883G, R746G, R773G.
Identifiers: ClinVar variation 2195682 (VCV002195682.4), dbSNP rs782156696, ClinGen allele CA4927606.
Genomic context (GRCh38, chr8:143,931,602, plus strand): 5'-CCTGCAGCAGGTCCTCCAGCCGGGTGACGGTGGCGGAGCGATCACAACTGTATTTCCTAC[G>C]CAGTGCCTCCTGCAGCTTCTGCAACTGCCCCTCGGCCTCCCGCACATCTGAGAAGAACTG-3'
Protein context (NP_958786.1, residues 736-756): GQLQKLQEAL[Arg746Gly]RKYSCDRSAT